The following is an entry in ClinVar:

ClinVar aggregate classification (germline): Uncertain significance (1 of 4 stars; one submission).

Conditions:
RASopathy. Also called: Noonan spectrum disorder; rasopathies. Identifiers: Orphanet 536391, MedGen C5555857, MONDO:0021060.

Submission:

Labcorp Genetics (formerly Invitae), Labcorp
Classification: Uncertain significance for RASopathy. Last evaluated: 2025-08-18. Review status: criteria provided, single submitter. Criteria: Invitae Variant Classification Sherloc (09022015). Collection method: clinical testing. Allele origin: germline.
Comment: This sequence change replaces aspartic acid, which is acidic and polar, with glutamic acid, which is acidic and polar, at codon 457 of the RAF1 protein (p.Asp457Glu). This variant is not present in population databases (gnomAD no frequency). This variant has not been reported in the literature in individuals affected with RAF1-related conditions. ClinVar contains an entry for this variant (Variation ID: 1392939). Invitae Evidence Modeling incorporating data from in vitro experimental studies (internal data) indicates that this missense variant is expected to disrupt RAF1 function with a positive predictive value of 95%. In summary, the available evidence is currently insufficient to determine the role of this variant in disease. Therefore, it has been classified as a Variant of Uncertain Significance.

NM_002880.4(RAF1):c.1371C>A (p.Asp457Glu)

Gene: RAF1 (Raf-1 proto-oncogene, serine/threonine kinase; minus strand). Cytogenetic location: 3p25.2.
Variant type: single nucleotide variant.
Coding change: c.1371C>A on transcript NM_002880.4 (MANE Select); coding-DNA position 1371, C replaced by A.
Protein change: p.Asp457Glu; replaces aspartic acid 457 with glutamic acid.
Molecular consequence: missense variant. On other transcripts: non-coding transcript variant (3).
Genome position (GRCh38, 1-based): chr3:12,587,637, G>T on the plus strand (C>A on the coding strand, the complement: RAF1 is on the minus strand). VCF-style: chr3-12587637-G-T. GRCh37 (hg19) VCF-style: chr3-12629136-G-T.
Other names: c.1431C>A, p.Asp477Glu (NM_001354689.3); c.1371C>A, p.Asp457Glu (NM_001354690.3); c.1128C>A, p.Asp376Glu (NM_001354691.3, NM_001354692.3); c.1272C>A, p.Asp424Glu (NM_001354693.3); c.1188C>A, p.Asp396Glu (NM_001354694.3); c.1029C>A, p.Asp343Glu (NM_001354695.3); short protein forms D396E, D457E, D343E, D376E, D424E, D477E.
Identifiers: ClinVar variation 1392939 (VCV001392939.8), dbSNP rs2125332052, ClinGen allele CA351500751.
Genomic context (GRCh38, chr3:12,587,637, plus strand): 5'-CAACCAAAGGATACTGTTGGATTTCATGTCTCTATGGATGATGTTCTTTGCATGCAAATA[G>T]CTGTGAAGGGAAAAGAAATTATTAAAAATAAGTTTGAGGGGCATGAGTAGAAAGCAGTTT-3'
Protein context (NP_002871.1, residues 447-467): DIARQTAQGM[Asp457Glu]YLHAKNIIHR